The following is an entry in ClinVar:

NM_016038.4(SBDS):c.649T>A (p.Phe217Ile)

Gene: SBDS (SBDS ribosome maturation factor; minus strand). Cytogenetic location: 7q11.21.
Variant type: single nucleotide variant.
Coding change: c.649T>A on transcript NM_016038.4 (MANE Select); coding-DNA position 649, T replaced by A.
Protein change: p.Phe217Ile; replaces phenylalanine 217 with isoleucine.
Molecular consequence: missense variant.
Genome position (GRCh38, 1-based): chr7:66,988,475, A>T on the plus strand (T>A on the coding strand, the complement: SBDS is on the minus strand). VCF-style: chr7-66988475-A-T. GRCh37 (hg19) VCF-style: chr7-66453462-A-T.
Other names: short protein forms F217I.
Identifiers: ClinVar variation 3792756 (VCV003792756.1).
Genomic context (GRCh38, chr7:66,988,475, plus strand): 5'-GTACTTCCAAAGAACCTTTGCCTTTAGTTTCCTTTTTTATTAGCTCATCAATTTCTCGGA[A>T]GCAGCCCGGGTCAATCAGACATACCTGAAACATTTAACGTAGCAGATTACCACATGAGGA-3'
Protein context (NP_057122.2, residues 207-227): EIVCLIDPGC[Phe217Ile]REIDELIKKE

ClinVar aggregate classification (germline): Uncertain significance (1 of 4 stars; one submission).

Conditions:
Inborn genetic diseases. Identifiers: MedGen C0950123, MeSH D030342.

gnomAD v4.1: 1 of 1,613,764 alleles (0.000062%); highest among the groups gnomAD compares: African/African-American, 0.0013%; no homozygotes.

Submission:

Ambry Genetics
Classification: Uncertain significance for Inborn genetic diseases. Last evaluated: 2025-03-10. Review status: criteria provided, single submitter. Criteria: Ambry Variant Classification Scheme 2023. Collection method: clinical testing. Allele origin: germline.
Comment: The p.F217I variant (also known as c.649T>A), located in coding exon 5 of the SBDS gene, results from a T to A substitution at nucleotide position 649. The phenylalanine at codon 217 is replaced by isoleucine, an amino acid with highly similar properties. This amino acid position is conserved. In addition, this alteration is predicted to be deleterious by in silico analysis. Based on the available evidence, the clinical significance of this variant remains unclear.